The following is an entry in ClinVar:

NM_000283.4(PDE6B):c.2419T>C (p.Trp807Arg)

Gene: PDE6B (phosphodiesterase 6B; plus strand). Cytogenetic location: 4p16.3.
Variant type: single nucleotide variant.
Coding change: c.2419T>C on transcript NM_000283.4 (MANE Select); coding-DNA position 2419, T replaced by C.
Protein change: p.Trp807Arg; replaces tryptophan 807 with arginine.
Molecular consequence: missense variant.
Genome position (GRCh38, 1-based): chr4:667,922, T>C. VCF-style: chr4-667922-T-C. GRCh37 (hg19) VCF-style: chr4-661711-T-C.
Other names: c.2419T>C, p.Trp807Arg (NM_001145291.2); c.1582T>C, p.Trp528Arg (NM_001145292.2, NM_001350154.3, NM_001379246.1 and 1 more transcripts); c.1264T>C, p.Trp422Arg (NM_001350155.3); short protein forms W422R, W528R, W807R.
Identifiers: ClinVar variation 1068671 (VCV001068671.10), dbSNP rs121918583, ClinGen allele CA2795056.

ClinVar aggregate classification (germline): Pathogenic. Review status: criteria provided, single submitter (1 of 4 stars). 2 submissions from 2 submitters: Pathogenic (1). 1 of the submissions does not count toward it. Last evaluated 2024-10-22.

Conditions:
Retinal dystrophy. Also called: Inherited retinal dystrophy. Identifiers: Orphanet 71862, MedGen C0854723, MeSH D058499, MONDO:0019118, HP:0000556.

Allele frequency attached by ClinVar (database versions not stated): ExAC 0.00001; gnomAD 0.00001; gnomAD exomes below 0.00001; TOPMed below 0.00001.
gnomAD v4.1: 1 of 1,612,576 alleles (0.000062%); highest among the groups gnomAD compares: African/African-American, 0.0013%; no homozygotes.

Submissions (2):

Labcorp Genetics (formerly Invitae), Labcorp
Classification: Pathogenic. Last evaluated: 2024-10-22. Review status: criteria provided, single submitter. Criteria: Invitae Variant Classification Sherloc (09022015). Collection method: clinical testing. Allele origin: germline.
Comment: This sequence change replaces tryptophan, which is neutral and slightly polar, with arginine, which is basic and polar, at codon 807 of the PDE6B protein (p.Trp807Arg). This variant is present in population databases (rs121918583, gnomAD 0.007%). This missense change has been observed in individual(s) with autosomal recessive retinitis pigmentosa (PMID: 18854872). It has also been observed to segregate with disease in related individuals. ClinVar contains an entry for this variant (Variation ID: 1068671). Invitae Evidence Modeling of protein sequence and biophysical properties (such as structural, functional, and spatial information, amino acid conservation, physicochemical variation, residue mobility, and thermodynamic stability) indicates that this missense variant is expected to disrupt PDE6B protein function with a positive predictive value of 95%. For these reasons, this variant has been classified as Pathogenic.

Institute of Human Genetics, Univ. Regensburg, Univ. Regensburg
Classification: Likely pathogenic for Retinal dystrophy. Last evaluated: 2020-01-01. Review status: no assertion criteria provided. Criteria: ACMG Guidelines, 2015. Collection method: clinical testing. Allele origin: germline. Affected: yes. Not counted in ClinVar's aggregate classification.

Literature cited by the submitters: PubMed 18854872 (cited by Labcorp Genetics (formerly Invitae), Labcorp).